The following is an entry in ClinVar:

NM_004655.4(AXIN2):c.1939G>A (p.Glu647Lys)

Gene: AXIN2 (axin 2; minus strand). Cytogenetic location: 17q24.1.
Variant type: single nucleotide variant.
Coding change: c.1939G>A on transcript NM_004655.4 (MANE Select); coding-DNA position 1939, G replaced by A.
Protein change: p.Glu647Lys; replaces glutamic acid 647 with lysine.
Molecular consequence: missense variant.
Genome position (GRCh38, 1-based): chr17:65,536,522, C>T on the plus strand (G>A on the coding strand, the complement: AXIN2 is on the minus strand). VCF-style: chr17-65536522-C-T. GRCh37 (hg19) VCF-style: chr17-63532640-C-T.
Other names: c.1744G>A, p.Glu582Lys (NM_001363813.1); short protein forms E647K, E582K.
Identifiers: ClinVar variation 3814494 (VCV003814494.1).

ClinVar aggregate classification (germline): Uncertain significance (1 of 4 stars; one submission).

Conditions:
Hereditary cancer-predisposing syndrome. Also called: Hereditary neoplastic syndrome; Neoplastic Syndromes, Hereditary; Tumor predisposition; Hereditary Cancer Syndrome. Identifiers: Orphanet 140162, MedGen C0027672, MeSH D009386, MONDO:0015356.

Submission:

Ambry Genetics
Classification: Uncertain significance for Hereditary cancer-predisposing syndrome. Last evaluated: 2025-01-31. Review status: criteria provided, single submitter. Criteria: Ambry Variant Classification Scheme 2023. Collection method: clinical testing. Allele origin: germline.
Comment: The p.E647K variant (also known as c.1939G>A), located in coding exon 7 of the AXIN2 gene, results from a G to A substitution at nucleotide position 1939. The glutamic acid at codon 647 is replaced by lysine, an amino acid with similar properties. This amino acid position is conserved. In addition, this alteration is predicted to be tolerated by in silico analysis. Based on the available evidence, the clinical significance of this variant remains unclear.